The following is an entry in ClinVar:

ClinVar aggregate classification (germline): Uncertain significance (1 of 4 stars; one submission).

Conditions:
Joubert syndrome 21 (JBTS21). Identifiers: MedGen C3810212, MONDO:0014288, OMIM 615636.

Submission:

Labcorp Genetics (formerly Invitae), Labcorp
Classification: Uncertain significance for Joubert syndrome 21. Last evaluated: 2024-02-17. Review status: criteria provided, single submitter. Criteria: Invitae Variant Classification Sherloc (09022015). Collection method: clinical testing. Allele origin: germline.
Comment: This sequence change falls in intron 8 of the CSPP1 gene. It does not directly change the encoded amino acid sequence of the CSPP1 protein. It affects a nucleotide within the consensus splice site. This variant is not present in population databases (gnomAD no frequency). This variant has not been reported in the literature in individuals affected with CSPP1-related conditions. ClinVar contains an entry for this variant (Variation ID: 941729). Variants that disrupt the consensus splice site are a relatively common cause of aberrant splicing (PMID: 17576681, 9536098). Algorithms developed to predict the effect of sequence changes on RNA splicing suggest that this variant may disrupt the consensus splice site. In summary, the available evidence is currently insufficient to determine the role of this variant in disease. Therefore, it has been classified as a Variant of Uncertain Significance.

Literature cited by the submitters: PubMed 17576681; PubMed 9536098.

NM_001382391.1(CSPP1):c.1093+3A>G

Gene: CSPP1 (centrosome and spindle pole associated protein 1; plus strand). Cytogenetic location: 8q13.2.
Variant type: single nucleotide variant.
Coding change: c.1093+3A>G on transcript NM_001382391.1 (MANE Select); 3 bases into the intron after coding-DNA position 1093, A replaced by G.
Molecular consequence: intron variant.
Genome position (GRCh38, 1-based): chr8:67,105,978, A>G. VCF-style: chr8-67105978-A-G. GRCh37 (hg19) VCF-style: chr8-68018213-A-G.
Other names: c.1093+3A>G (NM_001363132.2); c.1012+3A>G (NM_001363131.2, NM_001363133.2); c.1201+3A>G (NM_001364869.1); c.1120+3A>G (NM_024790.7, NM_001438331.1, NM_001438330.1); c.1021+3A>G (NM_001364870.1); c.950+10246A>G (NM_001438332.1); c.238+3A>G (NM_001291339.2).
Identifiers: ClinVar variation 941729 (VCV000941729.7), dbSNP rs1815432822, ClinGen allele CA1139660592.